The following is an entry in ClinVar:

NM_001040142.2(SCN2A):c.3190_3230dup (p.Ile1078fs)

Gene: SCN2A (sodium voltage-gated channel alpha subunit 2; plus strand). Cytogenetic location: 2q24.3.
Variant type: Duplication.
Coding change: c.3190_3230dup on transcript NM_001040142.2 (MANE Select); coding-DNA positions 3190 to 3230, 41 bases duplicated.
Protein change: p.Ile1078fs; shifts the reading frame from isoleucine 1078.
Molecular consequence: frameshift variant.
Genome position (GRCh38, 1-based): chr2:165,354,462-165,354,502, 41 bases duplicated. GRCh37 (hg19): chr2:166,210,972-166,211,012.
Other names: c.3190_3230dup, p.Ile1078fs (NM_021007.3, NM_001371247.1, NM_001040143.2 and 1 more transcripts); short protein forms I1078fs.
Identifiers: ClinVar variation 1728660 (VCV001728660.2), dbSNP rs2468036301, ClinGen allele CA2580064224.

ClinVar aggregate classification (germline): Pathogenic (1 of 4 stars; one submission).

Conditions:
Inborn genetic diseases. Identifiers: MedGen C0950123, MeSH D030342.

Submission:

Ambry Genetics
Classification: Pathogenic for Inborn genetic diseases. Last evaluated: 2017-06-13. Review status: criteria provided, single submitter. Criteria: Ambry Variant Classification Scheme 2023. Collection method: clinical testing. Allele origin: germline.
Comment: The c.3190_3230dup41 variant, located in coding exon 16 of the SCN2A gene, results from a duplication of 41 nucleotides at nucleotide positions 3190_3230, causing a translational frameshift with a predicted alternate stop codon (p.I1078Tfs*15). This alteration is expected to result in loss of function by premature protein truncation or nonsense-mediated mRNA decay. As such, this alteration is interpreted as a disease-causing mutation.